The following is an entry in ClinVar:

NM_000138.5(FBN1):c.1006T>C (p.Cys336Arg)

Genes: FBN1 (fibrillin 1; minus strand), LOC113939944 (Sharpr-MPRA regulatory region 9539; plus strand). Cytogenetic location: 15q21.1.
Variant type: single nucleotide variant.
Coding change: c.1006T>C on transcript NM_000138.5 (MANE Select); coding-DNA position 1006, T replaced by C.
Protein change: p.Cys336Arg; replaces cysteine 336 with arginine.
Molecular consequence: missense variant.
Genome position (GRCh38, 1-based): chr15:48,520,800, A>G on the plus strand (T>C on the coding strand, the complement: FBN1 is on the minus strand). VCF-style: chr15-48520800-A-G. GRCh37 (hg19) VCF-style: chr15-48812997-A-G.
Other names: short protein forms C336R.
Identifiers: ClinVar variation 548997 (VCV000548997.11), dbSNP rs1555400612, ClinGen allele CA392347901.

ClinVar aggregate classification (germline): Pathogenic/Likely pathogenic. Review status: criteria provided, multiple submitters, no conflicts (2 of 4 stars). 4 submissions from 4 submitters: Pathogenic (2); Likely pathogenic (1). 1 of the submissions does not count toward it. Last evaluated 2026-04-10.

Conditions:
Familial thoracic aortic aneurysm and aortic dissection (TAAD). Also called: Thoracic aortic aneurysms and dissections. Identifiers: Orphanet 91387, MedGen C4707243, MONDO:0019625.
Marfan syndrome (MFS). Also called: Marfan syndrome type 1; Marfan syndrome, classic; Marfan's syndrome; FBN1-Related Marfan Syndrome; MARFAN SYNDROME, TYPE I. Identifiers: Orphanet 284963, Orphanet 558, MedGen C0024796, MONDO:0007947, OMIM 154700.
Marfan Syndrome/Loeys-Dietz Syndrome/Familial Thoracic Aortic Aneurysms and Dissections. Identifiers: MedGen CN229799.
FBN1-related disorder. Also called: FBN1-related disorders.

Allele frequency attached by ClinVar (database versions not stated): gnomAD exomes below 0.00001.
gnomAD v4.1: 1 of 1,614,188 alleles (0.000062%); highest among the groups gnomAD compares: Non-Finnish European, 0.000085%; no homozygotes.

Submissions (4):

Women's Health and Genetics/Laboratory Corporation of America, LabCorp
Classification: Pathogenic for Marfan Syndrome/Loeys-Dietz Syndrome/Familial Thoracic Aortic Aneurysms and Dissections. Last evaluated: 2026-04-10. Review status: criteria provided, single submitter. Criteria: LabCorp Variant Classification Summary - May 2015. Collection method: clinical testing. Allele origin: germline.
Comment: Variant summary: FBN1 c.1006T>C (p.Cys336Arg) results in a non-conservative amino acid change in the encoded protein sequence. Algorithms developed to predict the effect of missense changes on protein structure and function all suggest that this variant is likely to be disruptive. The variant was absent in 251284 control chromosomes. c.1006T>C has been observed in individual(s) affected with Marfan Syndrome (examples, Kim_2024, internal data). These data indicate that the variant may be associated with disease. To our knowledge, no experimental evidence demonstrating an impact on protein function has been reported. Two different variants affecting the same codon have been classified as likely pathogenic (p.Cys336Tyr and p.Cys336Gly), supporting the critical relevance of codon 336 to FBN1 protein function. The following publications have been ascertained in the context of this evaluation (PMID: 27906200, 37840311). ClinVar contains an entry for this variant (Variation ID: 548997). Missense mutations affecting cysteine residues are listed among the criteria for a causal FBN1 mutation when identified as de novo (with proven paternity) in the revised Ghent criteria for the diagnosis of Marfan and related conditions (Loeys 2010). Based on the evidence outlined above, the variant was classified as pathogenic.

PreventionGenetics, part of Exact Sciences
Classification: Likely pathogenic for FBN1-related condition. Last evaluated: 2025-11-19. Review status: criteria provided, single submitter. Criteria: ACMG Guidelines, 2015. Collection method: clinical testing. Allele origin: germline.
Comment: The FBN1 c.1006T>C variant is predicted to result in the amino acid substitution p.Cys336Arg. This variant has been reported in at least two individuals with Marfan syndrome (Reyes et al. 2022. doi: 10.1164/ajrccm-conference.2022.205.1_MeetingAbstracts.A2052; Kim et al. 2024. PubMed ID: 37840311). An alternate missense substitution affecting the same amino acid (p.Cys336Ser) has been reported in an individual with Stanford type A aortic dissection (Chen et al. 2021. PubMed ID: 34422331). The c.1006T>C (p.Cys336Arg) variant has not been reported in a large population database (gnomAD), indicating it is rare. This variant is interpreted as likely pathogenic.

Labcorp Genetics (formerly Invitae), Labcorp
Classification: Pathogenic for Marfan syndrome; Familial thoracic aortic aneurysm and aortic dissection. Last evaluated: 2022-11-15. Review status: criteria provided, single submitter. Criteria: Invitae Variant Classification Sherloc (09022015). Collection method: clinical testing. Allele origin: germline.
Comment: For these reasons, this variant has been classified as Pathogenic. This variant disrupts the p.Cys336 amino acid residue in FBN1. Other variant(s) that disrupt this residue have been observed in individuals with FBN1-related conditions (Invitae), which suggests that this may be a clinically significant amino acid residue. This variant affects a cysteine residue in the EGF-like, TGFBP or hybrid motif domains of FBN1. Cysteine residues are believed to be involved in intramolecular disulfide bridges and have been shown to be important for FBN1 protein structure (PMID: 16905551, 19349279). In addition, missense substitutions affecting cysteine residues within these domains are significantly overrepresented among patients with Marfan syndrome (PMID: 16571647, 17701892). Advanced modeling of protein sequence and biophysical properties (such as structural, functional, and spatial information, amino acid conservation, physicochemical variation, residue mobility, and thermodynamic stability) performed at Invitae indicates that this missense variant is expected to disrupt FBN1 protein function. ClinVar contains an entry for this variant (Variation ID: 548997). This missense change has been observed in individuals with clinical features of Marfan syndrome (PMID: 27906200; Invitae). This variant is not present in population databases (gnomAD no frequency). This sequence change replaces cysteine, which is neutral and slightly polar, with arginine, which is basic and polar, at codon 336 of the FBN1 protein (p.Cys336Arg).

Center for Medical Genetics Ghent, University of Ghent
Classification: Likely pathogenic for Marfan syndrome. Last evaluated: 2017-11-07. Review status: no assertion criteria provided. Collection method: clinical testing. Allele origin: germline. Affected: yes. Not counted in ClinVar's aggregate classification.

Literature cited by the submitters: PubMed 27906200 (cited by Women's Health and Genetics/Laboratory Corporation of America, LabCorp and Labcorp Genetics (formerly Invitae), Labcorp); PubMed 37840311 (cited by Women's Health and Genetics/Laboratory Corporation of America, LabCorp); PubMed 16905551 (cited by Labcorp Genetics (formerly Invitae), Labcorp); PubMed 19349279 (cited by Labcorp Genetics (formerly Invitae), Labcorp); PubMed 16571647 (cited by Labcorp Genetics (formerly Invitae), Labcorp); PubMed 17701892 (cited by Labcorp Genetics (formerly Invitae), Labcorp).